The following is an entry in ClinVar:

NM_001903.5(CTNNA1):c.1402G>A (p.Ala468Thr)

Gene: CTNNA1 (catenin alpha 1; plus strand). Cytogenetic location: 5q31.2.
Variant type: single nucleotide variant.
Coding change: c.1402G>A on transcript NM_001903.5 (MANE Select); coding-DNA position 1402, G replaced by A.
Protein change: p.Ala468Thr; replaces alanine 468 with threonine.
Molecular consequence: missense variant. On other transcripts: 5 prime UTR variant (5).
Genome position (GRCh38, 1-based): chr5:138,917,754, G>A. VCF-style: chr5-138917754-G-A. GRCh37 (hg19) VCF-style: chr5-138253443-G-A.
Other names: c.1402G>A, p.Ala468Thr (NM_001290307.3, NM_001323982.2, NM_001323983.1 and 2 more transcripts); c.1093G>A, p.Ala365Thr (NM_001290309.3); c.1033G>A, p.Ala345Thr (NM_001290310.3); c.292G>A, p.Ala98Thr (NM_001290312.1, NM_001323987.1, NM_001323988.1 and 17 more transcripts); c.1309G>A, p.Ala437Thr (NM_001323986.2); c.-48G>A (NM_001324006.1, NM_001324007.1, NM_001324008.1 and 2 more transcripts); c.199G>A, p.Ala67Thr (NM_001324011.1); c.49G>A, p.Ala17Thr (NM_001324012.1, NM_001324013.1); and 1 more; short protein forms A17T, A345T, A437T, A67T, A98T, A365T, A468T.
Identifiers: ClinVar variation 648417 (VCV000648417.10), dbSNP rs1580799224, ClinGen allele CA361137066.
Genomic context (GRCh38, chr5:138,917,754, plus strand): 5'-CCATGACTCTGAAAAAGAGTAAACAGTGAAGTTTAATATCTTTTGCAGGTTATTAATGCT[G>A]CACTGGCTTTAGCAGCAAAACCACAGAGTAAACTGGCCCAAGAGAACATGGATCTTTTTA-3'
Protein context (NP_001894.2, residues 458-478): EALCPQVINA[Ala468Thr]LALAAKPQSK

ClinVar aggregate classification (germline): Uncertain significance. Review status: criteria provided, multiple submitters, no conflicts (2 of 4 stars). 2 submissions from 2 submitters: Uncertain significance (2). Last evaluated 2023-06-25.

Conditions:
Hereditary cancer-predisposing syndrome. Also called: Neoplastic Syndromes, Hereditary; Tumor predisposition; Hereditary Cancer Syndrome; Hereditary neoplastic syndrome. Identifiers: Orphanet 140162, MedGen C0027672, MeSH D009386, MONDO:0015356.

Submissions (2):

Labcorp Genetics (formerly Invitae), Labcorp
Classification: Uncertain significance. Last evaluated: 2023-06-25. Review status: criteria provided, single submitter. Criteria: Invitae Variant Classification Sherloc (09022015). Collection method: clinical testing. Allele origin: germline.
Comment: In summary, the available evidence is currently insufficient to determine the role of this variant in disease. Therefore, it has been classified as a Variant of Uncertain Significance. Advanced modeling of protein sequence and biophysical properties (such as structural, functional, and spatial information, amino acid conservation, physicochemical variation, residue mobility, and thermodynamic stability) performed at Invitae indicates that this missense variant is expected to disrupt CTNNA1 protein function. ClinVar contains an entry for this variant (Variation ID: 648417). This variant has not been reported in the literature in individuals affected with CTNNA1-related conditions. This variant is not present in population databases (gnomAD no frequency). This sequence change replaces alanine, which is neutral and non-polar, with threonine, which is neutral and polar, at codon 468 of the CTNNA1 protein (p.Ala468Thr).

Ambry Genetics
Classification: Uncertain significance for Hereditary cancer-predisposing syndrome. Last evaluated: 2023-01-04. Review status: criteria provided, single submitter. Criteria: Ambry Variant Classification Scheme 2023. Collection method: clinical testing. Allele origin: germline.
Comment: The p.A468T variant (also known as c.1402G>A), located in coding exon 10 of the CTNNA1 gene, results from a G to A substitution at nucleotide position 1402. The alanine at codon 468 is replaced by threonine, an amino acid with similar properties. This amino acid position is highly conserved in available vertebrate species. In addition, this alteration is predicted to be deleterious by in silico analysis. The evidence for this gene-disease relationship is limited; therefore, the clinical significance of this alteration is unclear.